The following is an entry in ClinVar:

ClinVar aggregate classification (germline): Conflicting classifications of pathogenicity. Review status: criteria provided, conflicting classifications (1 of 4 stars). 4 submissions from 3 submitters: Uncertain significance (3); Likely benign (1). Last evaluated 2023-07-01.

Conditions:
Noonan syndrome 4 (NS4). Also called: SOS1-Related Noonan Syndrome; NOONAN SYNDROME WITH PIGMENTED VILLONODULAR SYNOVITIS. Identifiers: Orphanet 648, MedGen C1853120, MONDO:0012547, OMIM 610733.
Fibromatosis, gingival, 1 (GINGF1). Identifiers: Orphanet 2024, MedGen C4551558, MONDO:0007609, OMIM 135300.

Allele frequency attached by ClinVar (database versions not stated): 1000 Genomes Project 30x 0.00016; 1000 Genomes Project 0.00020; TOPMed 0.00158; gnomAD 0.00222 and 0.00233.

Submissions (4):

CeGaT Center for Human Genetics Tuebingen
Classification: Likely benign. Last evaluated: 2023-07-01. Review status: criteria provided, single submitter. Criteria: CeGaT Center For Human Genetics Tuebingen Variant Classification Criteria Version 2. Collection method: clinical testing. Allele origin: germline. Affected: yes. Observed: 16 variant alleles.
Comment: SOS1: BS1

Fulgent Genetics
Classification: Uncertain significance for Fibromatosis, gingival, 1; Noonan syndrome 4. Last evaluated: 2021-07-19. Review status: criteria provided, single submitter. Criteria: ACMG Guidelines, 2015. Collection method: clinical testing. Allele origin: unknown.

Illumina Laboratory Services, Illumina
Classification: Uncertain significance for Noonan syndrome 4. Last evaluated: 2018-01-13. Review status: criteria provided, single submitter. Criteria: ICSL Variant Classification Criteria 13 December 2019. Collection method: clinical testing. Allele origin: germline.

Illumina Laboratory Services, Illumina
Classification: Uncertain significance for Fibromatosis, gingival, 1. Last evaluated: 2018-01-13. Review status: criteria provided, single submitter. Criteria: ICSL Variant Classification Criteria 13 December 2019. Collection method: clinical testing. Allele origin: germline.

NM_005633.4(SOS1):c.*4023T>C

Gene: SOS1 (SOS Ras/Rac guanine nucleotide exchange factor 1; minus strand). Cytogenetic location: 2p22.1.
Variant type: single nucleotide variant.
Coding change: c.*4023T>C on transcript NM_005633.4 (MANE Select); 4023 bases downstream of the stop codon, T replaced by C.
Molecular consequence: 3 prime UTR variant.
Genome position (GRCh38, 1-based): chr2:38,981,801, A>G on the plus strand (T>C on the coding strand, the complement: SOS1 is on the minus strand). VCF-style: chr2-38981801-A-G. GRCh37 (hg19) VCF-style: chr2-39208942-A-G.
Other names: c.*4023T>C (NM_001382394.1, NM_001382395.1).
Identifiers: ClinVar variation 335966 (VCV000335966.36), dbSNP rs1043800, ClinGen allele CA10615198.